The following is an entry in ClinVar:

ClinVar aggregate classification (germline): Likely benign. Review status: criteria provided, multiple submitters, no conflicts (2 of 4 stars). 3 submissions from 3 submitters: Likely benign (3). Last evaluated 2025-12-01.

Conditions:
Cystinuria (CSNU). Also called: CYSTINURIA, TYPE I; CYSTINURIA, TYPE II; CYSTINURIA, TYPE III; Cystinuria, non-type I. Identifiers: Orphanet 214, MedGen C0010691, MONDO:0009067, OMIM 220100, HP:0003131.

Allele frequency attached by ClinVar (database versions not stated): gnomAD 0.00001; gnomAD exomes 0.00002 and 0.00005; TOPMed 0.00004; ExAC 0.00007.
gnomAD v4.1: 30 of 1,611,584 alleles (0.0019%); highest among the groups gnomAD compares: Admixed American, 0.027%; no homozygotes.

Submissions (3):

CeGaT Center for Human Genetics Tuebingen
Classification: Likely benign. Last evaluated: 2025-12-01. Review status: criteria provided, single submitter. Criteria: CeGaT Center For Human Genetics Tuebingen Variant Classification Criteria Version 2. Collection method: clinical testing. Allele origin: germline. Affected: yes. Observed: 1 variant allele.
Comment: SLC3A1: BP7

Labcorp Genetics (formerly Invitae), Labcorp
Classification: Likely benign for Cystinuria. Last evaluated: 2025-09-08. Review status: criteria provided, single submitter. Criteria: Invitae Variant Classification Sherloc (09022015). Collection method: clinical testing. Allele origin: germline.

Fulgent Genetics
Classification: Likely benign for Cystinuria. Last evaluated: 2022-01-25. Review status: criteria provided, single submitter. Criteria: ACMG Guidelines, 2015. Collection method: clinical testing. Allele origin: unknown.

NM_000341.4(SLC3A1):c.1119G>A (p.Thr373=)

Gene: SLC3A1 (solute carrier family 3 member 1; plus strand). Cytogenetic location: 2p21.
Variant type: single nucleotide variant.
Coding change: c.1119G>A on transcript NM_000341.4 (MANE Select); coding-DNA position 1119, G replaced by A.
Protein change: p.Thr373=; no amino-acid change (threonine 373 retained).
Molecular consequence: synonymous variant.
Genome position (GRCh38, 1-based): chr2:44,301,110, G>A. VCF-style: chr2-44301110-G-A. GRCh37 (hg19) VCF-style: chr2-44528249-G-A.
Identifiers: ClinVar variation 1114446 (VCV001114446.15), dbSNP rs772223467, ClinGen allele CA1640418.